The following is an entry in ClinVar:

NM_004855.5(PIGB):c.88G>A (p.Gly30Ser)

Gene: PIGB (phosphatidylinositol glycan anchor biosynthesis class B; plus strand). Cytogenetic location: 15q21.3.
Variant type: single nucleotide variant.
Coding change: c.88G>A on transcript NM_004855.5 (MANE Select); coding-DNA position 88, G replaced by A.
Protein change: p.Gly30Ser; replaces glycine 30 with serine.
Molecular consequence: missense variant.
Genome position (GRCh38, 1-based): chr15:55,319,338, G>A. VCF-style: chr15-55319338-G-A. GRCh37 (hg19) VCF-style: chr15-55611536-G-A.
Other names: short protein forms G30S.
Identifiers: ClinVar variation 2100570 (VCV002100570.4), dbSNP rs2055107012, ClinGen allele CA392540977.

ClinVar aggregate classification (germline): Uncertain significance (1 of 4 stars; one submission).

gnomAD v4.1: 2 of 1,581,674 alleles (0.00013%); highest among the groups gnomAD compares: Middle Eastern, 0.017%; no homozygotes.

Submission:

Labcorp Genetics (formerly Invitae), Labcorp
Classification: Uncertain significance. Last evaluated: 2022-02-20. Review status: criteria provided, single submitter. Criteria: Invitae Variant Classification Sherloc (09022015). Collection method: clinical testing. Allele origin: germline.
Comment: In summary, the available evidence is currently insufficient to determine the role of this variant in disease. Therefore, it has been classified as a Variant of Uncertain Significance. Algorithms developed to predict the effect of missense changes on protein structure and function (SIFT, PolyPhen-2, Align-GVGD) all suggest that this variant is likely to be tolerated. This variant has not been reported in the literature in individuals affected with PIGB-related conditions. This variant is not present in population databases (gnomAD no frequency). This sequence change replaces glycine, which is neutral and non-polar, with serine, which is neutral and polar, at codon 30 of the PIGB protein (p.Gly30Ser).